The following is an entry in ClinVar:

ClinVar aggregate classification (germline): Uncertain significance (1 of 4 stars; one submission).

Conditions:
MYT1L-related disorder. Also called: MYT1L-related condition.

Submission:

PreventionGenetics, part of Exact Sciences
Classification: Uncertain significance for MYT1L-related condition. Last evaluated: 2025-06-07. Review status: criteria provided, single submitter. Criteria: ACMG Guidelines, 2015. Collection method: clinical testing. Allele origin: germline.
Comment: The MYT1L c.399_416del18 variant is predicted to result in an in-frame deletion (p.Glu133_Glu138del). To our knowledge, this variant has not been reported in the literature or in a large population database (gnomAD), indicating this variant is rare. At this time, the clinical significance of this variant is uncertain due to the absence of conclusive functional and genetic evidence.

NM_001303052.2(MYT1L):c.399_416del (p.Glu133_Glu138del)

Gene: MYT1L (myelin transcription factor 1 like; minus strand). Cytogenetic location: 2p25.3.
Variant type: Deletion.
Coding change: c.399_416del on transcript NM_001303052.2 (MANE Select); coding-DNA positions 399 to 416, 18 bases deleted (GGAGATCGAGGAGGAGGA).
Protein change: p.Glu133_Glu138del.
Molecular consequence: inframe deletion.
Genome position (GRCh38, 1-based): chr2:1,943,071-1,943,088, TCCTCCTCCTCGATCTCC deleted on the plus strand (GGAGATCGAGGAGGAGGA on the coding strand, the reverse complement: MYT1L is on the minus strand); deleting any 18 consecutive bases within chr2:1,943,071-1,943,099 gives the same sequence; the c. name uses the placement nearest the transcript's 3' end. VCF-style (leftmost placement, unchanged base first): chr2-1943070-ATCCTCCTCCTCGATCTCC-A. GRCh37 (hg19) VCF-style: chr2-1946842-ATCCTCCTCCTCGATCTCC-A.
Other names: c.399_416del, p.Glu133_Glu138del (NM_001329844.2, NM_001329845.1, NM_001329846.3 and 6 more transcripts).
Identifiers: ClinVar variation 4999535 (VCV004999535.1).